The following is an entry in ClinVar:

NM_015884.4(MBTPS2):c.735T>G (p.Ile245Met)

Gene: MBTPS2 (membrane bound transcription factor peptidase, site 2; plus strand). Cytogenetic location: Xp22.12.
Variant type: single nucleotide variant.
Coding change: c.735T>G on transcript NM_015884.4 (MANE Select); coding-DNA position 735, T replaced by G.
Protein change: p.Ile245Met; replaces isoleucine 245 with methionine.
Molecular consequence: missense variant.
Genome position (GRCh38, 1-based): chrX:21,868,531, T>G. VCF-style: chrX-21868531-T-G. GRCh37 (hg19) VCF-style: chrX-21886649-T-G.
Other names: short protein forms I245M.
Identifiers: ClinVar variation 3670308 (VCV003670308.2).
Genomic context (GRCh38, chrX:21,868,531, plus strand): 5'-CTGGCATAATTTTGTCCTTGCACTCTTGGGTATTTTAGCTCTTGTTCTCCTCCCAGTAAT[T>G]CTCTTGCCATTTTACTACACTGGAGTTGGGGTGCTCATCACTGAAGTTGCTGAGGTAAAT-3'
Protein context (NP_056968.1, residues 235-255): GILALVLLPV[Ile245Met]LLPFYYTGVG

ClinVar aggregate classification (germline): Uncertain significance (1 of 4 stars; one submission).

Submission:

Labcorp Genetics (formerly Invitae), Labcorp
Classification: Uncertain significance. Last evaluated: 2024-10-27. Review status: criteria provided, single submitter. Criteria: Invitae Variant Classification Sherloc (09022015). Collection method: clinical testing. Allele origin: germline.
Comment: This sequence change replaces isoleucine, which is neutral and non-polar, with methionine, which is neutral and non-polar, at codon 245 of the MBTPS2 protein (p.Ile245Met). This variant is not present in population databases (gnomAD no frequency). This variant has not been reported in the literature in individuals affected with MBTPS2-related conditions. Invitae Evidence Modeling of protein sequence and biophysical properties (such as structural, functional, and spatial information, amino acid conservation, physicochemical variation, residue mobility, and thermodynamic stability) indicates that this missense variant is not expected to disrupt MBTPS2 protein function with a negative predictive value of 95%. In summary, the available evidence is currently insufficient to determine the role of this variant in disease. Therefore, it has been classified as a Variant of Uncertain Significance.